The following is an entry in ClinVar:

ClinVar aggregate classification (germline): Uncertain significance (1 of 4 stars; one submission).

gnomAD v4.1: 2 of 1,613,722 alleles (0.00012%); highest among the groups gnomAD compares: East Asian, 0.0022%; no homozygotes.

Submission:

GeneDx
Classification: Uncertain significance. Last evaluated: 2024-09-27. Review status: criteria provided, single submitter. Criteria: GeneDx Variant Classification Process June 2021. Collection method: clinical testing. Allele origin: germline. Affected: yes.
Comment: Not observed at significant frequency in large population cohorts (gnomAD); In silico analysis supports that this missense variant has a deleterious effect on protein structure/function; Has not been previously published as pathogenic or benign to our knowledge

NM_152296.5(ATP1A3):c.2984G>A (p.Arg995His)

Gene: ATP1A3 (ATPase Na+/K+ transporting subunit alpha 3; minus strand). Cytogenetic location: 19q13.2.
Variant type: single nucleotide variant.
Coding change: c.2984G>A on transcript NM_152296.5 (MANE Select); coding-DNA position 2984, G replaced by A.
Protein change: p.Arg995His; replaces arginine 995 with histidine.
Molecular consequence: missense variant.
Genome position (GRCh38, 1-based): chr19:41,967,278, C>T on the plus strand (G>A on the coding strand, the complement: ATP1A3 is on the minus strand). VCF-style: chr19-41967278-C-T. GRCh37 (hg19) VCF-style: chr19-42471430-C-T.
Other names: c.3017G>A, p.Arg1006His (NM_001256213.2); c.3023G>A, p.Arg1008His (NM_001256214.2); short protein forms R1006H, R1008H, R995H.
Identifiers: ClinVar variation 3774680 (VCV003774680.1).